The following is an entry in ClinVar:

ClinVar aggregate classification (germline): Conflicting classifications of pathogenicity. Review status: criteria provided, conflicting classifications (1 of 4 stars). 2 submissions from 2 submitters: Likely pathogenic (1); Uncertain significance (1). Last evaluated 2025-02-16.

Conditions:
Neurofibromatosis, type 1 (NF1). Also called: VON RECKLINGHAUSEN DISEASE; NEUROFIBROMATOSIS, TYPE I, SOMATIC; Peripheral type neurofibromatosis; Neurofibromatosis, type I. Identifiers: Orphanet 636, MedGen C0027831, MONDO:0018975, OMIM 162200. Disease mechanism: loss of function.

Submissions (2):

Laboratory of Genetics, Children's Clinical University Hospital Latvia
Classification: Likely pathogenic. Last evaluated: 2025-02-16. Review status: criteria provided, single submitter. Criteria: ACMG Guidelines, 2015. Collection method: clinical testing. Allele origin: germline. Affected: yes.

Labcorp Genetics (formerly Invitae), Labcorp
Classification: Uncertain significance for Neurofibromatosis, type 1. Last evaluated: 2024-02-07. Review status: criteria provided, single submitter. Criteria: Invitae Variant Classification Sherloc (09022015). Collection method: clinical testing. Allele origin: germline.
Comment: This sequence change replaces alanine, which is neutral and non-polar, with proline, which is neutral and non-polar, at codon 1711 of the NF1 protein (p.Ala1711Pro). This variant is not present in population databases (gnomAD no frequency). This missense change has been observed in individual(s) with clinical features of NF1-Noonan syndrome and/or neurofibromatosis, type 1 (PMID: 24789688; Invitae). Advanced modeling of protein sequence and biophysical properties (such as structural, functional, and spatial information, amino acid conservation, physicochemical variation, residue mobility, and thermodynamic stability) has been performed at Invitae for this missense variant, however the output from this modeling did not meet the statistical confidence thresholds required to predict the impact of this variant on NF1 protein function. In summary, the available evidence is currently insufficient to determine the role of this variant in disease. Therefore, it has been classified as a Variant of Uncertain Significance.

Literature cited by the submitters: PubMed 24789688 (cited by Labcorp Genetics (formerly Invitae), Labcorp).

NM_001042492.3(NF1):c.5194G>C (p.Ala1732Pro)

Gene: NF1 (neurofibromin 1; plus strand). Cytogenetic location: 17q11.2.
Variant type: single nucleotide variant.
Coding change: c.5194G>C on transcript NM_001042492.3 (MANE Select); coding-DNA position 5194, G replaced by C.
Protein change: p.Ala1732Pro; replaces alanine 1732 with proline.
Molecular consequence: missense variant.
Genome position (GRCh38, 1-based): chr17:31,326,178, G>C. VCF-style: chr17-31326178-G-C. GRCh37 (hg19) VCF-style: chr17-29653196-G-C.
Other names: c.5131G>C, p.Ala1711Pro (NM_000267.4); short protein forms A1711P, A1732P.
Identifiers: ClinVar variation 3722681 (VCV003722681.3).